The following is an entry in ClinVar:

ClinVar aggregate classification (germline): Likely benign (1 of 4 stars; one submission).

Allele frequency attached by ClinVar (database versions not stated): gnomAD exomes 0.00192; ExAC 0.00335; gnomAD 0.00765 and 0.00823; ESP Exome Variant Server 0.00824; TOPMed 0.00858; 1000 Genomes Project 0.00919; 1000 Genomes Project 30x 0.00953.

Submission:

GeneDx
Classification: Likely benign. Last evaluated: 2018-06-19. Review status: criteria provided, single submitter. Criteria: GeneDx Variant Classification (06012015). Collection method: clinical testing. Allele origin: germline. Affected: yes.
Comment: This variant is considered likely benign or benign based on one or more of the following criteria: it is a conservative change, it occurs at a poorly conserved position in the protein, it is predicted to be benign by multiple in silico algorithms, and/or has population frequency not consistent with disease.

NM_001191061.2(SLC25A22):c.146+22G>A

Gene: SLC25A22 (solute carrier family 25 member 22; minus strand). Cytogenetic location: 11p15.5.
Variant type: single nucleotide variant.
Coding change: c.146+22G>A on transcript NM_001191061.2 (MANE Select); 22 bases into the intron after coding-DNA position 146, G replaced by A.
Molecular consequence: intron variant.
Genome position (GRCh38, 1-based): chr11:794,754, C>T on the plus strand (G>A on the coding strand, the complement: SLC25A22 is on the minus strand). VCF-style: chr11-794754-C-T. GRCh37 (hg19) VCF-style: chr11-794754-C-T.
Other names: c.146+22G>A (NM_001191060.2, NM_024698.6).
Identifiers: ClinVar variation 675172 (VCV000675172.1), dbSNP rs114134153, ClinGen allele CA5789381.